The following is an entry in ClinVar:

ClinVar aggregate classification (germline): Uncertain significance (1 of 4 stars; one submission).

Conditions:
Retinitis pigmentosa 12 (RP12). Also called: RP WITH OR WITHOUT PRESERVED PARAARTERIOLE RETINAL PIGMENT EPITHELIUM; RETINITIS PIGMENTOSA WITH OR WITHOUT PARAARTERIOLAR PRESERVATION OF RETINAL PIGMENT EPITHELIUM; RP WITH OR WITHOUT PPRPE. Identifiers: Orphanet 791, MedGen C1838647, MONDO:0010818, OMIM 600105.
Leber congenital amaurosis 8 (LCA8). Identifiers: Orphanet 65, MedGen C3151202, MONDO:0013453, OMIM 613835.

Allele frequency attached by ClinVar (database versions not stated): gnomAD exomes below 0.00001 and 0.00002; gnomAD 0.00001; TOPMed 0.00001; ExAC 0.00002.
gnomAD v4.1: 6 of 1,614,098 alleles (0.00037%); highest among the groups gnomAD compares: East Asian, 0.011%; no homozygotes.

Submission:

Labcorp Genetics (formerly Invitae), Labcorp
Classification: Uncertain significance for Leber congenital amaurosis 8; Retinitis pigmentosa 12. Last evaluated: 2021-10-21. Review status: criteria provided, single submitter. Criteria: Invitae Variant Classification Sherloc (09022015). Collection method: clinical testing. Allele origin: germline.
Comment: This sequence change falls in intron 5 of the CRB1 gene. It does not directly change the encoded amino acid sequence of the CRB1 protein, but it affects a nucleotide within the consensus splice site of the intron. This variant is present in population databases (rs770160426, ExAC 0.02%). This variant has not been reported in the literature in individuals with CRB1-related disease. Nucleotide substitutions within the consensus splice site are a relatively common cause of aberrant splicing (PMID: 17576681, 9536098). Algorithms developed to predict the effect of sequence changes on RNA splicing suggest that this variant is not likely to affect RNA splicing, but this prediction has not been confirmed by published transcriptional studies. In summary, the available evidence is currently insufficient to determine the role of this variant in disease. Therefore, it has been classified as a Variant of Uncertain Significance.

Literature cited by the submitters: PubMed 17576681; PubMed 9536098.

NM_201253.3(CRB1):c.1171+6G>A

Gene: CRB1 (crumbs cell polarity complex component 1; plus strand). Cytogenetic location: 1q31.3.
Variant type: single nucleotide variant.
Coding change: c.1171+6G>A on transcript NM_201253.3 (MANE Select); 6 bases into the intron after coding-DNA position 1171, G replaced by A.
Molecular consequence: intron variant.
Genome position (GRCh38, 1-based): chr1:197,357,019, G>A. VCF-style: chr1-197357019-G-A. GRCh37 (hg19) VCF-style: chr1-197326149-G-A.
Other names: c.964+6G>A (NM_001257965.2); c.1171+6G>A (NM_001257966.2); c.835+6G>A (NM_001193640.2).
Identifiers: ClinVar variation 1381324 (VCV001381324.3), dbSNP rs770160426, ClinGen allele CA1311822.